The following is an entry in ClinVar:

NM_032043.3(BRIP1):c.2948T>C (p.Ile983Thr)

Gene: BRIP1 (BRCA1 interacting DNA helicase 1; minus strand). Cytogenetic location: 17q23.2.
Variant type: single nucleotide variant.
Coding change: c.2948T>C on transcript NM_032043.3 (MANE Select); coding-DNA position 2948, T replaced by C.
Protein change: p.Ile983Thr; replaces isoleucine 983 with threonine.
Molecular consequence: missense variant.
Genome position (GRCh38, 1-based): chr17:61,684,098, A>G on the plus strand (T>C on the coding strand, the complement: BRIP1 is on the minus strand). VCF-style: chr17-61684098-A-G. GRCh37 (hg19) VCF-style: chr17-59761459-A-G.
Other names: short protein forms I983T.
Identifiers: ClinVar variation 1022256 (VCV001022256.10), dbSNP rs587781417, ClinGen allele CA400480683.

ClinVar aggregate classification (germline): Conflicting classifications of pathogenicity. Review status: criteria provided, conflicting classifications (1 of 4 stars). 3 submissions from 3 submitters: Uncertain significance (2); Likely benign (1). Last evaluated 2024-09-19.

Conditions:
Hereditary cancer-predisposing syndrome. Also called: Hereditary neoplastic syndrome; Neoplastic Syndromes, Hereditary; Tumor predisposition; Hereditary Cancer Syndrome. Identifiers: Orphanet 140162, MedGen C0027672, MeSH D009386, MONDO:0015356.
Fanconi anemia complementation group J. Also called: BRIP1-Related Fanconi Anemia. Identifiers: Orphanet 84, MedGen C1836860, MONDO:0012187, OMIM 609054.
Familial cancer of breast. Also called: BREAST CANCER, FAMILIAL; hereditary breast carcinoma; Hereditary breast cancer. Identifiers: Orphanet 227535, MedGen C0346153, MONDO:0016419, OMIM 114480. Disease mechanism: loss of function.

gnomAD v4.1: 1 of 1,613,492 alleles (0.000062%); highest among the groups gnomAD compares: Admixed American, 0.0017%; no homozygotes.

Submissions (3):

Color Diagnostics, LLC DBA Color Health
Classification: Likely benign for Hereditary cancer-predisposing syndrome. Last evaluated: 2024-09-19. Review status: criteria provided, single submitter. Criteria: ACMG Guidelines, 2015. Collection method: clinical testing. Allele origin: germline.

Ambry Genetics
Classification: Uncertain significance for Hereditary cancer-predisposing syndrome. Last evaluated: 2023-03-30. Review status: criteria provided, single submitter. Criteria: Ambry Variant Classification Scheme 2023. Collection method: clinical testing. Allele origin: germline.
Comment: The p.I983T variant (also known as c.2948T>C), located in coding exon 19 of the BRIP1 gene, results from a T to C substitution at nucleotide position 2948. The isoleucine at codon 983 is replaced by threonine, an amino acid with similar properties. This amino acid position is poorly conserved in available vertebrate species. In addition, this alteration is predicted to be tolerated by in silico analysis. Since supporting evidence is limited at this time, the clinical significance of this alteration remains unclear.

Labcorp Genetics (formerly Invitae), Labcorp
Classification: Uncertain significance for Familial cancer of breast; Fanconi anemia complementation group J. Last evaluated: 2021-11-05. Review status: criteria provided, single submitter. Criteria: Invitae Variant Classification Sherloc (09022015). Collection method: clinical testing. Allele origin: germline.
Comment: This sequence change replaces isoleucine, which is neutral and non-polar, with threonine, which is neutral and polar, at codon 983 of the BRIP1 protein (p.Ile983Thr). This variant is not present in population databases (gnomAD no frequency). This variant has not been reported in the literature in individuals affected with BRIP1-related conditions. ClinVar contains an entry for this variant (Variation ID: 1022256). Algorithms developed to predict the effect of missense changes on protein structure and function output the following: SIFT: "Tolerated"; PolyPhen-2: "Benign"; Align-GVGD: "Class C0". The threonine amino acid residue is found in multiple mammalian species, which suggests that this missense change does not adversely affect protein function. In summary, the available evidence is currently insufficient to determine the role of this variant in disease. Therefore, it has been classified as a Variant of Uncertain Significance.